The following is an entry in ClinVar:

ClinVar aggregate classification (germline): Uncertain significance. Review status: criteria provided, multiple submitters, no conflicts (2 of 4 stars). 2 submissions from 2 submitters: Uncertain significance (2). Last evaluated 2022-07-29.

Allele frequency attached by ClinVar (database versions not stated): gnomAD 0.00001; gnomAD exomes 0.00001; TOPMed 0.00001; ExAC 0.00002.

Submissions (2):

Clinical Genetics Laboratory, Skane University Hospital Lund
Classification: Uncertain significance. Last evaluated: 2022-07-29. Review status: criteria provided, single submitter. Criteria: ACMG Guidelines, 2015. Collection method: clinical testing. Allele origin: germline. Affected: yes.

Labcorp Genetics (formerly Invitae), Labcorp
Classification: Uncertain significance. Last evaluated: 2022-01-17. Review status: criteria provided, single submitter. Criteria: Invitae Variant Classification Sherloc (09022015). Collection method: clinical testing. Allele origin: germline.
Comment: This sequence change replaces arginine, which is basic and polar, with cysteine, which is neutral and slightly polar, at codon 130 of the VDR protein (p.Arg130Cys). This variant is present in population databases (rs767673430, gnomAD 0.006%). This variant has not been reported in the literature in individuals affected with VDR-related conditions. Algorithms developed to predict the effect of missense changes on protein structure and function are either unavailable or do not agree on the potential impact of this missense change (SIFT: "Deleterious"; PolyPhen-2: "Benign"; Align-GVGD: "Class C0"). In summary, the available evidence is currently insufficient to determine the role of this variant in disease. Therefore, it has been classified as a Variant of Uncertain Significance.

NM_000376.3(VDR):c.388C>T (p.Arg130Cys)

Gene: VDR (vitamin D receptor; minus strand). Cytogenetic location: 12q13.11.
Variant type: single nucleotide variant.
Coding change: c.388C>T on transcript NM_000376.3 (MANE Select); coding-DNA position 388, C replaced by T.
Protein change: p.Arg130Cys; replaces arginine 130 with cysteine.
Molecular consequence: missense variant.
Genome position (GRCh38, 1-based): chr12:47,857,578, G>A on the plus strand (C>T on the coding strand, the complement: VDR is on the minus strand). VCF-style: chr12-47857578-G-A. GRCh37 (hg19) VCF-style: chr12-48251361-G-A.
Other names: c.388C>T, p.Arg130Cys (NM_001017535.2, NM_001364085.2, NM_001374661.1 and 1 more transcripts); c.538C>T, p.Arg180Cys (NM_001017536.2); short protein forms R130C, R180C.
Identifiers: ClinVar variation 2175400 (VCV002175400.2), dbSNP rs767673430, ClinGen allele CA6533954.